The following is an entry in ClinVar:

ClinVar aggregate classification (germline): Uncertain significance (1 of 4 stars; one submission).

gnomAD v4.1: 1 of 1,614,210 alleles (0.000062%); highest among the groups gnomAD compares: Admixed American, 0.0017%; no homozygotes.

Submission:

Labcorp Genetics (formerly Invitae), Labcorp
Classification: Uncertain significance. Last evaluated: 2021-02-12. Review status: criteria provided, single submitter. Criteria: Invitae Variant Classification Sherloc (09022015). Collection method: clinical testing. Allele origin: germline.
Comment: This sequence change replaces serine with cysteine at codon 2545 of the KMT2A protein (p.Ser2545Cys). The serine residue is weakly conserved and there is a moderate physicochemical difference between serine and cysteine. This variant is not present in population databases (ExAC no frequency). This variant has not been reported in the literature in individuals with KMT2A-related conditions. Advanced modeling of protein sequence and biophysical properties (such as structural, functional, and spatial information, amino acid conservation, physicochemical variation, residue mobility, and thermodynamic stability) performed at Invitae indicates that this missense variant is not expected to disrupt KMT2A protein function. In summary, the available evidence is currently insufficient to determine the role of this variant in disease. Therefore, it has been classified as a Variant of Uncertain Significance.

NM_001197104.2(KMT2A):c.7633A>T (p.Ser2545Cys)

Gene: KMT2A (lysine methyltransferase 2A; plus strand). Cytogenetic location: 11q23.3.
Variant type: single nucleotide variant.
Coding change: c.7633A>T on transcript NM_001197104.2 (MANE Select); coding-DNA position 7633, A replaced by T.
Protein change: p.Ser2545Cys; replaces serine 2545 with cysteine.
Molecular consequence: missense variant.
Genome position (GRCh38, 1-based): chr11:118,503,525, A>T. VCF-style: chr11-118503525-A-T. GRCh37 (hg19) VCF-style: chr11-118374240-A-T.
Other names: c.7624A>T, p.Ser2542Cys (NM_005933.4); short protein forms S2542C, S2545C.
Identifiers: ClinVar variation 1523231 (VCV001523231.8), dbSNP rs2134393247, ClinGen allele CA382806268.